The following is an entry in ClinVar:

NM_017739.4(POMGNT1):c.623A>T (p.Asp208Val)

Genes: POMGNT1 (protein O-linked mannose N-acetylglucosaminyltransferase 1 (beta 1,2-); minus strand), TSPAN1 (tetraspanin 1; plus strand). Cytogenetic location: 1p34.1.
Variant type: single nucleotide variant.
Coding change: c.623A>T on transcript NM_017739.4 (MANE Select); coding-DNA position 623, A replaced by T.
Protein change: p.Asp208Val; replaces aspartic acid 208 with valine.
Molecular consequence: missense variant.
Genome position (GRCh38, 1-based): chr1:46,194,873, T>A on the plus strand (A>T on the coding strand, the complement: POMGNT1 is on the minus strand). VCF-style: chr1-46194873-T-A. GRCh37 (hg19) VCF-style: chr1-46660545-T-A.
Other names: c.623A>T, p.Asp208Val (NM_001243766.2, NM_001410783.1); c.557A>T, p.Asp186Val (NM_001290129.3); c.194A>T, p.Asp65Val (NM_001290130.2); short protein forms D208V, D186V, D65V.
Identifiers: ClinVar variation 2182655 (VCV002182655.4), dbSNP rs775671624, ClinGen allele CA833671.

ClinVar aggregate classification (germline): Uncertain significance (1 of 4 stars; one submission).

Conditions:
Autosomal recessive limb-girdle muscular dystrophy type 2O. Also called: Limb-Girdle Muscular Dystrophy Type 3C; MUSCULAR DYSTROPHY-DYSTROGLYCANOPATHY (LIMB-GIRDLE), TYPE C, 3; MUSCULAR DYSTROPHY-DYSTROGLYCANOPATHY, LIMB-GIRDLE, POMGNT1-RELATED. Identifiers: Orphanet 206564, MedGen C3150417, MONDO:0013161, OMIM 613157.
Muscular dystrophy-dystroglycanopathy (congenital with impaired intellectual development), type B, 3. Also called: Muscular dystrophy-dystroglycanopathy (congenital with intellectual disability), type B3; MUSCULAR DYSTROPHY, CONGENITAL, POMGNT1-RELATED. Identifiers: MedGen C3150412, MONDO:0013155, OMIM 613151.

Allele frequency attached by ClinVar (database versions not stated): ExAC 0.00001.

Submission:

Labcorp Genetics (formerly Invitae), Labcorp
Classification: Uncertain significance for Autosomal recessive limb-girdle muscular dystrophy type 2O; Muscular dystrophy-dystroglycanopathy (congenital with impaired intellectual development), type B, 3. Last evaluated: 2024-02-17. Review status: criteria provided, single submitter. Criteria: Invitae Variant Classification Sherloc (09022015). Collection method: clinical testing. Allele origin: germline.
Comment: This sequence change replaces aspartic acid, which is acidic and polar, with valine, which is neutral and non-polar, at codon 208 of the POMGNT1 protein (p.Asp208Val). This variant is present in population databases (rs775671624, gnomAD 0.006%). This variant has not been reported in the literature in individuals affected with POMGNT1-related conditions. ClinVar contains an entry for this variant (Variation ID: 2182655). Advanced modeling of protein sequence and biophysical properties (such as structural, functional, and spatial information, amino acid conservation, physicochemical variation, residue mobility, and thermodynamic stability) has been performed at Invitae for this missense variant, however the output from this modeling did not meet the statistical confidence thresholds required to predict the impact of this variant on POMGNT1 protein function. In summary, the available evidence is currently insufficient to determine the role of this variant in disease. Therefore, it has been classified as a Variant of Uncertain Significance.